The following is an entry in ClinVar:

NM_006438.5(COLEC10):c.234A>C (p.Glu78Asp)

Gene: COLEC10 (collectin subfamily member 10; plus strand). Cytogenetic location: 8q24.12.
Variant type: single nucleotide variant.
Coding change: c.234A>C on transcript NM_006438.5 (MANE Select); coding-DNA position 234, A replaced by C.
Protein change: p.Glu78Asp; replaces glutamic acid 78 with aspartic acid.
Molecular consequence: missense variant.
Genome position (GRCh38, 1-based): chr8:119,091,162, A>C. VCF-style: chr8-119091162-A-C. GRCh37 (hg19) VCF-style: chr8-120103401-A-C.
Other names: c.27A>C, p.Glu9Asp (NM_001324095.2); short protein forms E78D, E9D.
Identifiers: ClinVar variation 4280738 (VCV004280738.7).

ClinVar aggregate classification (germline): Likely benign (1 of 4 stars; one submission).

gnomAD v4.1: 2,435 of 1,613,080 alleles (0.15%); highest among the groups gnomAD compares: Non-Finnish European, 0.2%; 3 homozygotes.

Submission:

CeGaT Center for Human Genetics Tuebingen
Classification: Likely benign. Last evaluated: 2026-08-01. Review status: criteria provided, single submitter. Criteria: CeGaT Center For Human Genetics Tuebingen Variant Classification Criteria Version 2. Collection method: clinical testing. Allele origin: germline. Affected: yes. Observed: 2 variant alleles.
Comment: COLEC10: BP4